The following is an entry in ClinVar:

ClinVar aggregate classification (germline): Pathogenic (1 of 4 stars; one submission).

Conditions:
Nemaline myopathy 2 (NEM2). Also called: Nemaline myopathy 2, autosomal recessive. Identifiers: MedGen C1850569, MONDO:0009725, OMIM 256030.

Submission:

Labcorp Genetics (formerly Invitae), Labcorp
Classification: Pathogenic for Nemaline myopathy 2. Last evaluated: 2020-01-14. Review status: criteria provided, single submitter. Criteria: Invitae Variant Classification Sherloc (09022015). Collection method: clinical testing. Allele origin: germline.
Comment: This variant is not present in population databases (ExAC no frequency). For these reasons, this variant has been classified as Pathogenic. Loss-of-function variants in NEB are known to be pathogenic (PMID: 25205138). This variant has not been reported in the literature in individuals with NEB-related conditions. This sequence change creates a premature translational stop signal (p.Ser1188*) in the NEB gene. It is expected to result in an absent or disrupted protein product.

Literature cited by the submitters: PubMed 25205138.

NM_001164508.2(NEB):c.3562_3563del (p.Gln1187_Ser1188insTer)

Gene: NEB (nebulin; minus strand). Cytogenetic location: 2q23.3.
Variant type: Microsatellite.
Coding change: c.3562_3563del on transcript NM_001164508.2 (MANE Select); coding-DNA positions 3562 to 3563, 2 bases deleted (AG; older notation c.3562_3563delAG).
Protein change: p.Gln1187_Ser1188insTer.
Molecular consequence: nonsense.
Genome position (GRCh38, 1-based): chr2:151,677,880-151,677,881, CT deleted on the plus strand (AG on the coding strand, the reverse complement: NEB is on the minus strand); deleting any 2 consecutive bases within chr2:151,677,880-151,677,883 gives the same sequence; the c. name uses the placement nearest the transcript's 3' end. VCF-style (leftmost placement, unchanged base first): chr2-151677879-ACT-A. GRCh37 (hg19) VCF-style: chr2-152534393-ACT-A.
Other names: c.3562_3563del, p.Gln1187_Ser1188insTer (NM_001164507.2, NM_001271208.2, NM_004543.5).
Identifiers: ClinVar variation 1073501 (VCV001073501.7), dbSNP rs2154210386, ClinGen allele CA2580614367.